The following is an entry in ClinVar:

NM_000138.5(FBN1):c.3G>A (p.Met1Ile)

Gene: FBN1 (fibrillin 1; minus strand). Cytogenetic location: 15q21.1.
Variant type: single nucleotide variant.
Coding change: c.3G>A on transcript NM_000138.5 (MANE Select); coding-DNA position 3, G replaced by A.
Protein change: p.Met1Ile; changes the start codon (methionine 1).
Molecular consequence: missense variant, initiator codon variant.
Genome position (GRCh38, 1-based): chr15:48,644,767, C>T on the plus strand (G>A on the coding strand, the complement: FBN1 is on the minus strand). VCF-style: chr15-48644767-C-T. GRCh37 (hg19) VCF-style: chr15-48936964-C-T.
Other names: short protein forms M1I.
Identifiers: ClinVar variation 488792 (VCV000488792.10), dbSNP rs886039072, ClinGen allele CA392454056.

ClinVar aggregate classification (germline): Pathogenic/Likely pathogenic. Review status: criteria provided, multiple submitters, no conflicts (2 of 4 stars). 4 submissions from 4 submitters: Pathogenic (3); Likely pathogenic (1). Last evaluated 2026-07-20.

Conditions:
Familial thoracic aortic aneurysm and aortic dissection (TAAD). Also called: Thoracic aortic aneurysms and dissections. Identifiers: Orphanet 91387, MedGen C4707243, MONDO:0019625.
Marfan syndrome (MFS). Also called: Marfan syndrome type 1; Marfan's syndrome; MARFAN SYNDROME, TYPE I; FBN1-Related Marfan Syndrome; Marfan syndrome, classic. Identifiers: Orphanet 284963, Orphanet 558, MedGen C0024796, MONDO:0007947, OMIM 154700.

Submissions (4):

Ambry Genetics
Classification: Pathogenic for Familial thoracic aortic aneurysm and aortic dissection. Last evaluated: 2026-07-20. Review status: criteria provided, single submitter. Criteria: Ambry Variant Classification Scheme 2023. Collection method: clinical testing. Allele origin: germline.
Comment: The c.3G>A (p.M1?) variant is located in coding exon 1 of the FBN1 gene and results from a G to A substitution at nucleotide position 1. This alters the methionine residue at the initiation codon (ATG). Sequence variations that modify the initiation codon are expected to result in either loss of translation initiation, N-terminal truncation, or cause a shift in the mRNA reading frame. This variant was not reported in population-based cohorts in the Genome Aggregation Database (gnomAD). This variant was reported in individual(s) with features consistent with Marfan syndrome and related fibrillinopathies; in at least one individual, it was determined to be de novo (Tan, 2017; Becerra-Mu&ntilde;oz, 2018). Based on the available evidence, this alteration is classified as pathogenic.

3billion
Classification: Likely pathogenic for Marfan syndrome. Last evaluated: 2024-06-11. Review status: criteria provided, single submitter. Criteria: ACMG Guidelines, 2015. Collection method: clinical testing. Allele origin: germline. Affected: yes.
Comment: The variant is not observed in the gnomAD v4.0.0 dataset. Predicted Consequence/Location: Start lost variant The variant has been observed in at least two similarly affected unrelated individuals (PMID: 28973303, 29357934). The variant has been previously reported as assumed (i.e. paternity and maternity not confirmed) de novo in at least one similarly affected unrelated individual (PMID: 28973303). The variant has been reported at least twice as pathogenic without evidence for the classification (ClinVar ID: VCV000488792 /PMID: 27611364). Therefore, this variant is classified as Likely pathogenic according to the recommendation of ACMG/AMP guideline.

Labcorp Genetics (formerly Invitae), Labcorp
Classification: Pathogenic for Marfan syndrome; Familial thoracic aortic aneurysm and aortic dissection. Last evaluated: 2023-12-06. Review status: criteria provided, single submitter. Criteria: Invitae Variant Classification Sherloc (09022015). Collection method: clinical testing. Allele origin: germline.
Comment: This sequence change affects the initiator methionine of the FBN1 mRNA. The next in-frame methionine is located at codon 99. This variant is not present in population databases (gnomAD no frequency). Disruption of the initiator codon has been observed in individual(s) with clinical features of Marfan syndrome (PMID: 28973303, 29357934). In at least one individual the variant was observed to be de novo. ClinVar contains an entry for this variant (Variation ID: 488792). This variant affects a cysteine residue in the EGF-like, TGFBP or hybrid motif domains of FBN1. Cysteine residues are believed to be involved in intramolecular disulfide bridges and have been shown to be important for FBN1 protein structure (PMID: 16905551, 19349279). In addition, missense substitutions affecting cysteine residues within these domains are significantly overrepresented among patients with Marfan syndrome (PMID: 16571647, 17701892). For these reasons, this variant has been classified as Pathogenic.

GeneDx
Classification: Pathogenic. Last evaluated: 2016-12-13. Review status: criteria provided, single submitter. Criteria: GeneDx Variant Classification (06012015). Collection method: clinical testing. Allele origin: germline. Affected: yes.
Comment: The c.3 G>A pathogenic variant has been identified in the FBN1 gene. This variant has not been published as a pathogenic variant, nor has it been reported as a benign variant to our knowledge. However, it has been observed in two other individuals referred for Marfan/TAAD testing at GeneDx. This variant is predicted to alter the initiator Methionine codon, and the resultant protein would be described as p.Met1?" using a question mark to signify that it is not known if the loss of Met1 means that all protein translation is completely prevented or if an abnormal protein is produced using an alternate Methionine. Other nucleotide substitutions affecting the initiator Methionine have been reported in association with FBN1-related disorders, including the c.1 A>T pathogenic variant reported by Rybczynski et al. (2008), and the c.2 T>G pathogenic variant reported at GeneDx. Moreover, the c.3 G>A variant was not observed in approximately 6,500 individuals of European and African American ancestry in the NHLBI Exome Sequencing Project, indicating it is not a common benign variant in these populations.In summary, c.3 G>A in the FBN1 gene is interpreted as a pathogenic variant."

Literature cited by the submitters: PubMed 28973303 (cited by 3 submitters); PubMed 29357934 (cited by 3 submitters); PubMed 27611364 (cited by 3billion); PubMed 16905551 (cited by Labcorp Genetics (formerly Invitae), Labcorp); PubMed 19349279 (cited by Labcorp Genetics (formerly Invitae), Labcorp); PubMed 16571647 (cited by Labcorp Genetics (formerly Invitae), Labcorp); PubMed 17701892 (cited by Labcorp Genetics (formerly Invitae), Labcorp).